The following is an entry in ClinVar:

ClinVar aggregate classification (germline): Pathogenic/Likely pathogenic. Review status: criteria provided, multiple submitters, no conflicts (2 of 4 stars). 2 submissions from 2 submitters: Pathogenic (1); Likely pathogenic (1). Last evaluated 2025-12-08.

Conditions:
Alstrom syndrome (ALMS). Identifiers: Orphanet 64, MedGen C0268425, MONDO:0008763, OMIM 203800.

Allele frequency attached by ClinVar (database versions not stated): gnomAD 0.00001; TOPMed 0.00001.

Submissions (2):

Labcorp Genetics (formerly Invitae), Labcorp
Classification: Pathogenic for Alstrom syndrome. Last evaluated: 2025-12-08. Review status: criteria provided, single submitter. Criteria: Invitae Variant Classification Sherloc (09022015). Collection method: clinical testing. Allele origin: germline.
Comment: This sequence change creates a premature translational stop signal (p.His2161Leufs*2) in the ALMS1 gene. It is expected to result in an absent or disrupted protein product. Loss-of-function variants in ALMS1 are known to be pathogenic (PMID: 17594715). This variant is present in population databases (no rsID available, gnomAD 0.01%). This variant has not been reported in the literature in individuals affected with ALMS1-related conditions. ClinVar contains an entry for this variant (Variation ID: 2066339). For these reasons, this variant has been classified as Pathogenic.

Natera, Inc.
Classification: Likely pathogenic for Alstrom syndrome. Last evaluated: 2025-07-06. Review status: criteria provided, single submitter. Criteria: Natera Variant Classification Schema (03/2026). Collection method: clinical testing. Allele origin: germline.
Comment: The c.6482delA variant in ALMS1 is a frameshift variant predicted to shift the reading frame beginning at codon 2161 and leads to a stop codon 2 codons downstream. This variant is expected to result in nonsense mediated decay, truncation, or a dysfunctional protein product. This variant is rare in the general population with a frequency below the threshold expected for the associated phenotype(s). Given the available evidence, this variant is classified as Likely Pathogenic.

Literature cited by the submitters: PubMed 17594715 (cited by Labcorp Genetics (formerly Invitae), Labcorp).

NM_001378454.1(ALMS1):c.6479del (p.His2160fs)

Gene: ALMS1 (ALMS1 centrosome and basal body associated protein; plus strand). Cytogenetic location: 2p13.1.
Variant type: Deletion.
Coding change: c.6479del on transcript NM_001378454.1 (MANE Select); coding-DNA position 6479, one base deleted (A; older notation c.6479delA).
Protein change: p.His2160fs; shifts the reading frame from histidine 2160.
Molecular consequence: frameshift variant.
Genome position (GRCh38, 1-based): chr2:73,453,006, A deleted. VCF-style (leftmost placement, unchanged base first): chr2-73453005-CA-C. GRCh37 (hg19) VCF-style: chr2-73680132-CA-C.
Other names: c.6482del, p.His2161fs (NM_015120.4); c.6482delA (NM_015120.4); short protein forms H2160fs, H2161fs.
Identifiers: ClinVar variation 2066339 (VCV002066339.5), dbSNP rs1200296507, ClinGen allele CA534125681.
Genomic context (GRCh38, chr2:73,453,005, plus strand): 5'-AGTTCCTTTTCACATCGAGAGAAACCAGATATTTTCTATCAAAAGGATTTGCCAGATAGA[CA>C]TCTAACTGAAGATGCTCTAAAGATCTCAAGTGCTCTTGGGCAAGCTGATCAAATTACCGG-3'